The following is an entry in ClinVar:

ClinVar aggregate classification (germline): Uncertain significance. Review status: criteria provided, multiple submitters, no conflicts (2 of 4 stars). 2 submissions from 2 submitters: Uncertain significance (2). Last evaluated 2025-06-09.

Conditions:
Inborn genetic diseases. Identifiers: MedGen C0950123, MeSH D030342.
Pyruvate carboxylase deficiency. Also called: ATAXIA WITH LACTIC ACIDOSIS II; Pyruvate Carboxylase Deficiency Disease; LEIGH NECROTIZING ENCEPHALOPATHY DUE TO PYRUVATE CARBOXYLASE DEFICIENCY; LEIGH SYNDROME DUE TO PYRUVATE CARBOXYLASE DEFICIENCY; PC DEFICIENCY. Identifiers: Orphanet 3008, MedGen C0034341, MONDO:0009949, OMIM 266150.

Allele frequency attached by ClinVar (database versions not stated): gnomAD 0.00001; TOPMed 0.00002; gnomAD exomes 0.00004; ExAC 0.00005.
gnomAD v4.1: 27 of 1,611,270 alleles (0.0017%); highest among the groups gnomAD compares: Admixed American, 0.03%; no homozygotes.

Submissions (2):

Ambry Genetics
Classification: Uncertain significance for Inborn genetic diseases. Last evaluated: 2025-06-09. Review status: criteria provided, single submitter. Criteria: Ambry Variant Classification Scheme 2023. Collection method: clinical testing. Allele origin: germline.

Labcorp Genetics (formerly Invitae), Labcorp
Classification: Uncertain significance for Pyruvate carboxylase deficiency. Last evaluated: 2021-09-24. Review status: criteria provided, single submitter. Criteria: Invitae Variant Classification Sherloc (09022015). Collection method: clinical testing. Allele origin: germline.
Comment: This sequence change replaces arginine with cysteine at codon 385 of the PC protein (p.Arg385Cys). The arginine residue is moderately conserved and there is a large physicochemical difference between arginine and cysteine. This variant is present in population databases (rs773109008, ExAC 0.04%). This variant has not been reported in the literature in individuals with PC-related conditions. Algorithms developed to predict the effect of missense changes on protein structure and function are either unavailable or do not agree on the potential impact of this missense change (SIFT: "Deleterious"; PolyPhen-2: "Probably Damaging"; Align-GVGD: "Class C0"). In summary, the available evidence is currently insufficient to determine the role of this variant in disease. Therefore, it has been classified as a Variant of Uncertain Significance.

NM_001040716.2(PC):c.1153C>T (p.Arg385Cys)

Gene: PC (pyruvate carboxylase; minus strand). Cytogenetic location: 11q13.2.
Variant type: single nucleotide variant.
Coding change: c.1153C>T on transcript NM_001040716.2 (MANE Select); coding-DNA position 1153, C replaced by T.
Protein change: p.Arg385Cys; replaces arginine 385 with cysteine.
Molecular consequence: missense variant.
Genome position (GRCh38, 1-based): chr11:66,866,219, G>A on the plus strand (C>T on the coding strand, the complement: PC is on the minus strand). VCF-style: chr11-66866219-G-A. GRCh37 (hg19) VCF-style: chr11-66633690-G-A.
Other names: c.1153C>T (NM_000920.3); c.1153C>T, p.Arg385Cys (NM_000920.4, NM_022172.3); short protein forms R385C.
Identifiers: ClinVar variation 1438119 (VCV001438119.6), dbSNP rs773109008, ClinGen allele CA6131978.